The following is an entry in ClinVar:

NM_000444.6(PHEX):c.1779_1782dup (p.Lys595Ter)

Genes: PTCHD1-AS (PTCHD1 and PHEX antisense RNA; minus strand), PHEX (phosphate regulating endopeptidase X-linked; plus strand). Cytogenetic location: Xp22.11.
Variant type: Duplication.
Coding change: c.1779_1782dup on transcript NM_000444.6 (MANE Select); coding-DNA positions 1779 to 1782, 4 bases duplicated (TGAT; older notation c.1779_1782dupTGAT).
Protein change: p.Lys595Ter; replaces lysine 595 with a stop codon.
Molecular consequence: nonsense.
Genome position (GRCh38, 1-based): chrX:22,221,623-22,221,626, TGAT duplicated. VCF-style (leftmost placement, unchanged base first): chrX-22221622-A-ATGAT. GRCh37 (hg19) VCF-style: chrX-22239739-A-ATGAT.
Other names: c.1779_1782dup, p.Lys595Ter (NM_001282754.2); short protein forms K595*.
Identifiers: ClinVar variation 280077 (VCV000280077.4), dbSNP rs886041364, ClinGen allele CA10603458.

ClinVar aggregate classification (germline): Pathogenic. Review status: criteria provided, multiple submitters, no conflicts (2 of 4 stars). 2 submissions from 2 submitters: Pathogenic (2). Last evaluated 2016-06-28.

Conditions:
Familial X-linked hypophosphatemic vitamin D refractory rickets (XLHRD). Also called: Hypophosphatemia, vitamin D-resistant rickets; Vitamin D-resistant rickets, X-linked; X-Linked Hypophosphatemia; Hypophosphatemic Rickets, X-Linked Dominant; HYPOPHOSPHATEMIC VITAMIN D-RESISTANT RICKETS. Identifiers: Orphanet 89936, MedGen C0733682, MONDO:0010619, OMIM 307800.

Submissions (2):

GeneDx
Classification: Pathogenic. Last evaluated: 2016-06-28. Review status: criteria provided, single submitter. Criteria: GeneDx Variant Classification (06012015). Collection method: clinical testing. Allele origin: germline. Affected: yes.
Comment: The c.1779_1782dupTGAT variant in the PHEX gene has been reported previously as c.1783insTGAT in association with hypophosphatemic rickets (Francis et al., 1997). The duplication changes the Lysine at position 595 to a Stop codon. This pathogenic variant is predicted to cause loss of normal protein function either through protein truncation or nonsense-mediated mRNA decay. Additionally, the variant was not observed in approximately 6,500 individuals of European and African American ancestry in the NHLBI Exome Sequencing Project, indicating it is not a common benign variant in these populations. Therefore, we consider this variant to be pathogenic.

Institute of Human Genetics Munich, TUM University Hospital
Classification: Pathogenic for Familial X-linked hypophosphatemic vitamin D refractory rickets. Last evaluated: 2013-11-18. Review status: criteria provided, single submitter. Criteria: Classification criteria August 2017. Collection method: clinical testing. Allele origin: germline. Inheritance: X-linked inheritance. Affected: yes. Observed: 1 heterozygote, 1 hemizygote.

Literature cited by the submitters: PubMed 9199930 (cited by Institute of Human Genetics Munich, TUM University Hospital).